The following is an entry in ClinVar:

ClinVar aggregate classification (germline): Likely benign (1 of 4 stars; one submission).

Conditions:
Familial hypercholesterolemia. Also called: Familial hypercholesterolaemia. Identifiers: MedGen C0020445, MONDO:0005439.

gnomAD v4.1: 2 of 1,614,092 alleles (0.00012%); highest among the groups gnomAD compares: Middle Eastern, 0.033%; no homozygotes.

Submission:

GENinCode PLC
Classification: Likely benign for Familial hypercholesterolemia. Last evaluated: 2024-07-09. Review status: criteria provided, single submitter. Criteria: ACMG Guidelines, 2015. Collection method: clinical testing. Allele origin: germline.
Comment: This is a synonymous (silent) variant that is not predicted by SpliceAI to impact splicing. In addition, it occurs at a nucleotide that is not conserved. Therefore this variant has been classified as Likely Benign (BP4, BP7).

NM_000384.3(APOB):c.13407T>C (p.Leu4469=)

Gene: APOB (apolipoprotein B; minus strand). Cytogenetic location: 2p24.1.
Variant type: single nucleotide variant.
Coding change: c.13407T>C on transcript NM_000384.3 (MANE Select); coding-DNA position 13407, T replaced by C.
Protein change: p.Leu4469=; no amino-acid change (leucine 4469 retained).
Molecular consequence: synonymous variant.
Genome position (GRCh38, 1-based): chr2:21,002,015, A>G on the plus strand (T>C on the coding strand, the complement: APOB is on the minus strand). VCF-style: chr2-21002015-A-G. GRCh37 (hg19) VCF-style: chr2-21224887-A-G.
Identifiers: ClinVar variation 3393009 (VCV003393009.1).
Genomic context (GRCh38, chr2:21,002,015, plus strand): 5'-AGAAATTATTTTCTTCGTCGCAATGGCCTGGCTTTTAATTATTTCCTGAGCAGTGGCAGA[A>G]AGCTCTGCAATCTTCTCTTTCCCTTTTCCATCTGGATCGGTAAGGATGCTAAGATATTCC-3'
Protein context (NP_000375.3, residues 4459-4479): DGKGKEKIAE[Leu4469=]SATAQEIIKS